The following is an entry in ClinVar:

NM_177438.3(DICER1):c.5728C>T (p.Arg1910Ter)

Gene: DICER1 (dicer 1, ribonuclease III; minus strand). Cytogenetic location: 14q32.13.
Variant type: single nucleotide variant.
Coding change: c.5728C>T on transcript NM_177438.3 (MANE Select); coding-DNA position 5728, C replaced by T.
Protein change: p.Arg1910Ter; replaces arginine 1910 with a stop codon.
Molecular consequence: nonsense. On other transcripts: 3 prime UTR variant (1).
Genome position (GRCh38, 1-based): chr14:95,090,539, G>A on the plus strand (C>T on the coding strand, the complement: DICER1 is on the minus strand). VCF-style: chr14-95090539-G-A. GRCh37 (hg19) VCF-style: chr14-95556876-G-A.
Other names: c.*75C>T (NM_001195573.1); c.5728C>T, p.Arg1910Ter (NM_001271282.3, NM_001291628.2, NM_030621.4); c.5728C>T (NM_177438.2); short protein forms R1910*.
Identifiers: ClinVar variation 1025708 (VCV001025708.10), dbSNP rs762281340, ClinGen allele CA7330600.
Genomic context (GRCh38, chr14:95,090,539, plus strand): 5'-TGAATTTTAAAAAGCGGTTTCAGCTATTGGGAACCTGAGGTTGATTAGCTTTGAGGCTTC[G>A]GAGGGCTCTTCTTGCTGCTGCAGATTTGGCAATCCTGTAACTTCGACCAACACCTTTAAA-3'

ClinVar aggregate classification (germline): Uncertain significance. Review status: criteria provided, multiple submitters, no conflicts (2 of 4 stars). 3 submissions from 3 submitters: Uncertain significance (3). Last evaluated 2026-01-27.

Conditions:
DICER1-related tumor predisposition. Also called: DICER1 syndrome; DICER1-related pleuropulmonary blastoma cancer predisposition syndrome. Identifiers: Orphanet 284343, MedGen C3839822, MONDO:0100216.
Global developmental delay - lung cysts - overgrowth - Wilms tumor syndrome. Also called: GLOW Syndrome; GLOBAL DEVELOPMENTAL DELAY, LUNG CYSTS, OVERGROWTH, AND WILMS TUMOR. Identifiers: Orphanet 404476, MedGen C4748924, MONDO:0018445, OMIM 618272.
Hereditary cancer-predisposing syndrome. Also called: Hereditary neoplastic syndrome; Neoplastic Syndromes, Hereditary; Tumor predisposition; Hereditary Cancer Syndrome. Identifiers: Orphanet 140162, MedGen C0027672, MeSH D009386, MONDO:0015356.

Allele frequency attached by ClinVar (database versions not stated): gnomAD exomes below 0.00001 and 0.00001; ExAC 0.00001.
gnomAD v4.1: 3 of 1,614,012 alleles (0.00019%); highest among the groups gnomAD compares: Non-Finnish European, 0.00025%; no homozygotes.

Submissions (3):

Labcorp Genetics (formerly Invitae), Labcorp
Classification: Uncertain significance for DICER1-related tumor predisposition. Last evaluated: 2026-01-27. Review status: criteria provided, single submitter. Criteria: Invitae Variant Classification Sherloc (09022015). Collection method: clinical testing. Allele origin: germline.
Comment: This sequence change creates a premature translational stop signal (p.Arg1910*) in the DICER1 gene. While this is not anticipated to result in nonsense mediated decay, it is expected to disrupt the last 13 amino acid(s) of the DICER1 protein. This variant is present in population databases (rs762281340, gnomAD 0.01%). This variant has not been reported in the literature in individuals affected with DICER1-related conditions. ClinVar contains an entry for this variant (Variation ID: 1025708). Experimental studies and prediction algorithms are not available or were not evaluated, and the functional significance of this variant is currently unknown. Algorithms developed to predict the effect of sequence changes on RNA splicing suggest that this variant may disrupt the consensus splice site. In summary, the available evidence is currently insufficient to determine the role of this variant in disease. Therefore, it has been classified as a Variant of Uncertain Significance.

Ambry Genetics
Classification: Uncertain significance for Hereditary cancer-predisposing syndrome. Last evaluated: 2024-03-21. Review status: criteria provided, single submitter. Criteria: Ambry Variant Classification Scheme 2023. Collection method: clinical testing. Allele origin: germline.
Comment: The p.R1910* variant (also known as c.5728C>T), located in coding exon 26 of the DICER1 gene, results from a C to T substitution at nucleotide position 5728. This changes the amino acid from an arginine to a stop codon within coding exon 26. This alteration occurs at the 3' terminus of theDICER1 gene, is not expected to trigger nonsense-mediated mRNAdecay, and only impacts the last 13 amino acids of the protein. The exact functional effect of this alteration is unknown. Since supporting evidence is limited at this time, the clinical significance of this alteration remains unclear.

Baylor Genetics
Classification: Uncertain significance for Global developmental delay - lung cysts - overgrowth - Wilms tumor syndrome. Last evaluated: 2024-01-31. Review status: criteria provided, single submitter. Criteria: ACMG Guidelines, 2015. Collection method: clinical testing. Allele origin: unknown.